The following is an entry in ClinVar:

NM_001018115.3(FANCD2):c.2869G>C (p.Val957Leu)

Genes: FANCD2 (FA complementation group D2; plus strand), LOC107303338 (3p25 FANCD2 Alu-mediated recombination region; plus strand). Cytogenetic location: 3p25.3.
Variant type: single nucleotide variant.
Coding change: c.2869G>C on transcript NM_001018115.3 (MANE Select); coding-DNA position 2869, G replaced by C.
Protein change: p.Val957Leu; replaces valine 957 with leucine.
Molecular consequence: missense variant.
Genome position (GRCh38, 1-based): chr3:10,078,090, G>C. VCF-style: chr3-10078090-G-C. GRCh37 (hg19) VCF-style: chr3-10119774-G-C.
Other names: c.2869G>C, p.Val957Leu (NM_001319984.2, NM_001374254.1, NM_033084.6); c.2758G>C, p.Val920Leu (NM_001374253.1); short protein forms V957L, V920L.
Identifiers: ClinVar variation 1426281 (VCV001426281.5), dbSNP rs762683227, ClinGen allele CA351745895.

ClinVar aggregate classification (germline): Uncertain significance (1 of 4 stars; one submission).

Conditions:
Fanconi anemia (FA). Also called: Fanconi's anemia. Identifiers: Orphanet 84, MedGen C0015625, MeSH D005199, MONDO:0019391.

Allele frequency attached by ClinVar (database versions not stated): TOPMed below 0.00001.
gnomAD v4.1: 6 of 1,611,254 alleles (0.00037%); highest among the groups gnomAD compares: Admixed American, 0.01%; no homozygotes.

Submission:

Labcorp Genetics (formerly Invitae), Labcorp
Classification: Uncertain significance for Fanconi anemia. Last evaluated: 2022-07-17. Review status: criteria provided, single submitter. Criteria: Invitae Variant Classification Sherloc (09022015). Collection method: clinical testing. Allele origin: germline.
Comment: This sequence change replaces valine, which is neutral and non-polar, with leucine, which is neutral and non-polar, at codon 957 of the FANCD2 protein (p.Val957Leu). This variant is not present in population databases (gnomAD no frequency). This variant has not been reported in the literature in individuals affected with FANCD2-related conditions. ClinVar contains an entry for this variant (Variation ID: 1426281). Algorithms developed to predict the effect of missense changes on protein structure and function (SIFT, PolyPhen-2, Align-GVGD) all suggest that this variant is likely to be tolerated. In summary, the available evidence is currently insufficient to determine the role of this variant in disease. Therefore, it has been classified as a Variant of Uncertain Significance.